The following is an entry in ClinVar:

ClinVar aggregate classification (germline): Pathogenic (1 of 4 stars; one submission).

Conditions:
Peutz-Jeghers syndrome (PJS). Also called: POLYPOSIS, HAMARTOMATOUS INTESTINAL; POLYPS-AND-SPOTS SYNDROME; Peutz-Jeghers polyposis; Periorificial lentiginosis syndrome. Identifiers: Orphanet 2869, MedGen C0031269, MeSH D010580, MONDO:0008280, OMIM 175200.

Submission:

Labcorp Genetics (formerly Invitae), Labcorp
Classification: Pathogenic for Peutz-Jeghers syndrome. Last evaluated: 2021-03-26. Review status: criteria provided, single submitter. Criteria: Invitae Variant Classification Sherloc (09022015). Collection method: clinical testing. Allele origin: germline.
Comment: This sequence change creates a premature translational stop signal (p.Val110Serfs*19) in the STK11 gene. It is expected to result in an absent or disrupted protein product. Loss-of-function variants in STK11 are known to be pathogenic (PMID: 15188174, 16287113). This variant is not present in population databases (ExAC no frequency). This variant has not been reported in the literature in individuals with STK11-related conditions. For these reasons, this variant has been classified as Pathogenic.

Literature cited by the submitters: PubMed 15188174; PubMed 16287113.

NM_000455.5(STK11):c.328del (p.Val110fs)

Gene: STK11 (serine/threonine kinase 11; plus strand). Cytogenetic location: 19p13.3.
Variant type: Deletion.
Coding change: c.328del on transcript NM_000455.5 (MANE Select); coding-DNA position 328, one base deleted (G; older notation c.328delG).
Protein change: p.Val110fs; shifts the reading frame from valine 110.
Molecular consequence: frameshift variant.
Genome position (GRCh38, 1-based): chr19:1,218,454, G deleted. VCF-style (leftmost placement, unchanged base first): chr19-1218453-TG-T. GRCh37 (hg19) VCF-style: chr19-1218452-TG-T.
Other names: short protein forms V110fs.
Identifiers: ClinVar variation 1452626 (VCV001452626.6), dbSNP rs2145420680, ClinGen allele CA2573155846.